The following is an entry in ClinVar:

ClinVar aggregate classification (germline): Uncertain significance (1 of 4 stars; one submission).

Allele frequency attached by ClinVar (database versions not stated): gnomAD exomes below 0.00001; gnomAD 0.00001; TOPMed 0.00001.
gnomAD v4.1: 3 of 1,613,906 alleles (0.00019%); highest among the groups gnomAD compares: African/African-American, 0.0027%; no homozygotes.

Submission:

Labcorp Genetics (formerly Invitae), Labcorp
Classification: Uncertain significance. Last evaluated: 2022-10-07. Review status: criteria provided, single submitter. Criteria: Invitae Variant Classification Sherloc (09022015). Collection method: clinical testing. Allele origin: germline.
Comment: Algorithms developed to predict the effect of missense changes on protein structure and function are either unavailable or do not agree on the potential impact of this missense change (SIFT: "Deleterious"; PolyPhen-2: "Benign"; Align-GVGD: "Class C0"). In summary, the available evidence is currently insufficient to determine the role of this variant in disease. Therefore, it has been classified as a Variant of Uncertain Significance. This variant has not been reported in the literature in individuals affected with CACNA1D-related conditions. This variant is present in population databases (no rsID available, gnomAD 0.01%). This sequence change replaces leucine, which is neutral and non-polar, with proline, which is neutral and non-polar, at codon 1748 of the CACNA1D protein (p.Leu1748Pro).

NM_001128840.3(CACNA1D):c.5183T>C (p.Leu1728Pro)

Gene: CACNA1D (calcium voltage-gated channel subunit alpha1 D; plus strand). Cytogenetic location: 3p21.1.
Variant type: single nucleotide variant.
Coding change: c.5183T>C on transcript NM_001128840.3 (MANE Select); coding-DNA position 5183, T replaced by C.
Protein change: p.Leu1728Pro; replaces leucine 1728 with proline.
Molecular consequence: missense variant.
Genome position (GRCh38, 1-based): chr3:53,801,200, T>C. VCF-style: chr3-53801200-T-C. GRCh37 (hg19) VCF-style: chr3-53835227-T-C.
Other names: c.5243T>C, p.Leu1748Pro (NM_000720.4); c.5138T>C, p.Leu1713Pro (NM_001128839.3); short protein forms L1748P, L1713P, L1728P.
Identifiers: ClinVar variation 2130524 (VCV002130524.4), dbSNP rs1281053080, ClinGen allele CA353250421.